The following is an entry in ClinVar:

NM_000059.4(BRCA2):c.8697_8721del (p.Gln2899_Asp2900insTer)

Gene: BRCA2 (BRCA2 DNA repair associated; plus strand). Cytogenetic location: 13q13.1.
Variant type: Deletion.
Coding change: c.8697_8721del on transcript NM_000059.4 (MANE Select); coding-DNA positions 8697 to 8721, 25 bases deleted (AGATGGTGCAGAGCTTTATGAAGCA).
Protein change: p.Gln2899_Asp2900insTer.
Molecular consequence: frameshift variant. On other transcripts: nonsense (4).
Genome position (GRCh38, 1-based): chr13:32,376,734-32,376,758, AGATGGTGCAGAGCTTTATGAAGCA deleted; deleting any 25 consecutive bases within chr13:32,376,731-32,376,758 gives the same sequence; the c. name uses the placement nearest the transcript's 3' end. VCF-style (leftmost placement, unchanged base first): chr13-32376730-TGCAAGATGGTGCAGAGCTTTATGAA-T. GRCh37 (hg19) VCF-style: chr13-32950867-TGCAAGATGGTGCAGAGCTTTATGAA-T.
Other names: c.8601_8625del25, p.Asp2868Terfs (NM_001406719.1); c.2280_2304del25, p.Asp761Terfs (NM_001406722.1); c.8697_8721del25, p.Asp2900Terfs (NM_001406720.1); c.3765_3789del25, p.Asp1256Terfs (NM_001406721.1).
Identifiers: ClinVar variation 1764329 (VCV001764329.2), dbSNP rs2548553313, ClinGen allele CA2580087425.

ClinVar aggregate classification (germline): Pathogenic (1 of 4 stars; one submission).

Conditions:
Hereditary cancer-predisposing syndrome. Also called: Neoplastic Syndromes, Hereditary; Tumor predisposition; Hereditary Cancer Syndrome; Hereditary neoplastic syndrome. Identifiers: Orphanet 140162, MedGen C0027672, MeSH D009386, MONDO:0015356.

Submission:

Ambry Genetics
Classification: Pathogenic for Hereditary cancer-predisposing syndrome. Last evaluated: 2019-02-28. Review status: criteria provided, single submitter. Criteria: Ambry Variant Classification Scheme 2023. Collection method: clinical testing. Allele origin: germline.
Comment: The c.8697_8721del25 pathogenic mutation, located in coding exon 20 of the BRCA2 gene, results from a deletion of 25 nucleotides at nucleotide positions 8697 to 8721, creating an alternate stop codon (p.Asp2900*). This alteration is expected to result in loss of function by premature protein truncation or nonsense-mediated mRNA decay. As such, this alteration is interpreted as a disease-causing mutation.